The following is an entry in ClinVar:

NM_004208.4(AIFM1):c.620C>T (p.Pro207Leu)

Genes: AIFM1 (apoptosis inducing factor mitochondria associated 1; minus strand), RAB33A (RAB33A, member RAS oncogene family; plus strand). Cytogenetic location: Xq26.1.
Variant type: single nucleotide variant.
Coding change: c.620C>T on transcript NM_004208.4 (MANE Select); coding-DNA position 620, C replaced by T.
Protein change: p.Pro207Leu; replaces proline 207 with leucine.
Molecular consequence: missense variant. On other transcripts: non-coding transcript variant (1).
Genome position (GRCh38, 1-based): chrX:130,145,555, G>A on the plus strand (C>T on the coding strand, the complement: AIFM1 is on the minus strand). VCF-style: chrX-130145555-G-A. GRCh37 (hg19) VCF-style: chrX-129279530-G-A.
Other names: c.620C>T, p.Pro207Leu (NM_001130847.4); c.608C>T, p.Pro203Leu (NM_145812.3); short protein forms P203L, P207L.
Identifiers: ClinVar variation 3750547 (VCV003750547.2).

ClinVar aggregate classification (germline): Uncertain significance (1 of 4 stars; one submission).

Conditions:
Combined oxidative phosphorylation deficiency. Identifiers: MedGen C4540031, MONDO:0000732.
Charcot-Marie-Tooth Neuropathy X. Identifiers: MedGen CN118851.

Submission:

Labcorp Genetics (formerly Invitae), Labcorp
Classification: Uncertain significance for Charcot-Marie-Tooth Neuropathy X; Combined oxidative phosphorylation deficiency. Last evaluated: 2024-07-16. Review status: criteria provided, single submitter. Criteria: Invitae Variant Classification Sherloc (09022015). Collection method: clinical testing. Allele origin: germline.
Comment: This sequence change replaces proline, which is neutral and non-polar, with leucine, which is neutral and non-polar, at codon 207 of the AIFM1 protein (p.Pro207Leu). This variant is not present in population databases (gnomAD no frequency). This variant has not been reported in the literature in individuals affected with AIFM1-related conditions. Advanced modeling of protein sequence and biophysical properties (such as structural, functional, and spatial information, amino acid conservation, physicochemical variation, residue mobility, and thermodynamic stability) has been performed at Invitae for this missense variant, however the output from this modeling did not meet the statistical confidence thresholds required to predict the impact of this variant on AIFM1 protein function. In summary, the available evidence is currently insufficient to determine the role of this variant in disease. Therefore, it has been classified as a Variant of Uncertain Significance.